The following is an entry in ClinVar:

NM_014915.3(ANKRD26):c.2751G>T (p.Leu917Phe)

Gene: ANKRD26 (ankyrin repeat domain containing 26; minus strand). Cytogenetic location: 10p12.1.
Variant type: single nucleotide variant.
Coding change: c.2751G>T on transcript NM_014915.3 (MANE Select); coding-DNA position 2751, G replaced by T.
Protein change: p.Leu917Phe; replaces leucine 917 with phenylalanine.
Molecular consequence: missense variant.
Genome position (GRCh38, 1-based): chr10:27,035,699, C>A on the plus strand (G>T on the coding strand, the complement: ANKRD26 is on the minus strand). VCF-style: chr10-27035699-C-A. GRCh37 (hg19) VCF-style: chr10-27324628-C-A.
Other names: c.2748G>T, p.Leu916Phe (NM_001256053.2); short protein forms L916F, L917F.
Identifiers: ClinVar variation 3915374 (VCV003915374.1).

ClinVar aggregate classification (germline): Uncertain significance (1 of 4 stars; one submission).

Conditions:
Inborn genetic diseases. Identifiers: MedGen C0950123, MeSH D030342.

gnomAD v4.1: 1 of 1,604,164 alleles (0.000062%); highest among the groups gnomAD compares: Admixed American, 0.0017%; no homozygotes.

Submission:

Ambry Genetics
Classification: Uncertain significance for Inborn genetic diseases. Last evaluated: 2025-06-14. Review status: criteria provided, single submitter. Criteria: Ambry Variant Classification Scheme 2023. Collection method: clinical testing. Allele origin: germline.
Comment: The p.L917F variant (also known as c.2751G>T), located in coding exon 24 of the ANKRD26 gene, results from a G to T substitution at nucleotide position 2751. The leucine at codon 917 is replaced by phenylalanine, an amino acid with highly similar properties. This amino acid position is conserved. In addition, this alteration is predicted to be tolerated by in silico analysis. Based on the available evidence, the clinical significance of this variant remains unclear.